The following is an entry in ClinVar:

NM_005732.4(RAD50):c.906_914dup (p.Leu304_Asn305insLysGlnLeu)

Gene: RAD50 (RAD50 double strand break repair protein; plus strand). Cytogenetic location: 5q31.1.
Variant type: Duplication.
Coding change: c.906_914dup on transcript NM_005732.4 (MANE Select); coding-DNA positions 906 to 914, 9 bases duplicated (GCAACTAAA; older notation c.906_914dupGCAACTAAA).
Protein change: p.Leu304_Asn305insLysGlnLeu.
Molecular consequence: inframe insertion.
Genome position (GRCh38, 1-based): chr5:132,587,944-132,587,952, GCAACTAAA duplicated; duplicating any 9 consecutive bases within chr5:132,587,943-132,587,952 gives the same sequence; the c. name uses the placement nearest the transcript's 3' end. VCF-style (leftmost placement, unchanged base first): chr5-132587942-G-GAGCAACTAA. GRCh37 (hg19) VCF-style: chr5-131923634-G-GAGCAACTAA.
Identifiers: ClinVar variation 3003372 (VCV003003372.3), dbSNP rs1750623799, ClinGen allele CA1583237051.

ClinVar aggregate classification (germline): Uncertain significance (1 of 4 stars; one submission).

Conditions:
Hereditary cancer-predisposing syndrome. Also called: Hereditary Cancer Syndrome; Neoplastic Syndromes, Hereditary; Tumor predisposition; Hereditary neoplastic syndrome. Identifiers: Orphanet 140162, MedGen C0027672, MeSH D009386, MONDO:0015356.

Submission:

Labcorp Genetics (formerly Invitae), Labcorp
Classification: Uncertain significance for Hereditary cancer-predisposing syndrome. Last evaluated: 2023-10-18. Review status: criteria provided, single submitter. Criteria: Invitae Variant Classification Sherloc (09022015). Collection method: clinical testing. Allele origin: germline.
Comment: This variant, c.906_914dup, results in the insertion of 3 amino acid(s) of the RAD50 protein (p.Leu304_Asn305insLysGlnLeu), but otherwise preserves the integrity of the reading frame. This variant is not present in population databases (gnomAD no frequency). This variant has not been reported in the literature in individuals affected with RAD50-related conditions. In summary, the available evidence is currently insufficient to determine the role of this variant in disease. Therefore, it has been classified as a Variant of Uncertain Significance.